The following is an entry in ClinVar:

NM_005006.7(NDUFS1):c.154-10_154-8del

Gene: NDUFS1 (NADH:ubiquinone oxidoreductase core subunit S1; minus strand). Cytogenetic location: 2q33.3.
Variant type: Deletion.
Coding change: c.154-10_154-8del on transcript NM_005006.7 (MANE Select); 10 bases into the intron before coding-DNA position 154 through 8 bases into the intron before coding-DNA position 154, 3 bases deleted (TTA; older notation c.154-10_154-8delTTA).
Molecular consequence: intron variant.
Genome position (GRCh38, 1-based): chr2:206,149,933-206,149,935, TAA deleted on the plus strand (TTA on the coding strand, the reverse complement: NDUFS1 is on the minus strand). VCF-style (leftmost placement, unchanged base first): chr2-206149932-GTAA-G. GRCh37 (hg19) VCF-style: chr2-207014656-GTAA-G.
Other names: c.6-2101_6-2099del (NM_001199982.2); c.-18-10_-18-8del (NM_001199983.2); c.154-839_154-837del (NM_001199981.2); c.196-10_196-8del (NM_001199984.2).
Identifiers: ClinVar variation 3348666 (VCV003348666.3).

ClinVar aggregate classification (germline): Likely benign. Review status: criteria provided, single submitter (1 of 4 stars). 2 submissions from 2 submitters: Likely benign (1). 1 of the submissions does not count toward it. Last evaluated 2026-01-26.

Conditions:
NDUFS1-related disorder. Also called: NDUFS1-related condition.

Submissions (2):

Labcorp Genetics (formerly Invitae), Labcorp
Classification: Likely benign. Last evaluated: 2026-01-26. Review status: criteria provided, single submitter. Criteria: Invitae Variant Classification Sherloc (09022015). Collection method: clinical testing. Allele origin: germline.

PreventionGenetics, part of Exact Sciences
Classification: Likely benign for NDUFS1-related condition. Last evaluated: 2024-04-18. Review status: no assertion criteria provided. Collection method: clinical testing. Allele origin: germline. Not counted in ClinVar's aggregate classification.
Comment: This variant is classified as likely benign based on ACMG/AMP sequence variant interpretation guidelines (Richards et al. 2015 PMID: 25741868, with internal and published modifications).